The following is an entry in ClinVar:

ClinVar aggregate classification (germline): Uncertain significance. Review status: criteria provided, multiple submitters, no conflicts (2 of 4 stars). 2 submissions from 2 submitters: Uncertain significance (2). Last evaluated 2022-06-14.

Conditions:
Inborn genetic diseases. Identifiers: MedGen C0950123, MeSH D030342.

Allele frequency attached by ClinVar (database versions not stated): gnomAD exomes 0.00001.
gnomAD v4.1: 4 of 1,613,992 alleles (0.00025%); highest among the groups gnomAD compares: East Asian, 0.0022%; no homozygotes.

Submissions (2):

GeneDx
Classification: Uncertain significance. Last evaluated: 2022-06-14. Review status: criteria provided, single submitter. Criteria: GeneDx Variant Classification Process June 2021. Collection method: clinical testing. Allele origin: germline. Affected: yes.
Comment: In silico analysis supports that this missense variant has a deleterious effect on protein structure/function; Has not been previously published as pathogenic or benign to our knowledge

Ambry Genetics
Classification: Uncertain significance for Inborn genetic diseases. Last evaluated: 2018-04-02. Review status: criteria provided, single submitter. Criteria: Ambry Variant Classification Scheme 2023. Collection method: clinical testing. Allele origin: germline.
Comment: The p.P2160L variant (also known as c.6479C>T), located in coding exon 22 of the NSD1 gene, results from a C to T substitution at nucleotide position 6479. The proline at codon 2160 is replaced by leucine, an amino acid with similar properties. This amino acid position is highly conserved in available vertebrate species. In addition, this alteration is predicted to be deleterious by in silico analysis. Since supporting evidence is limited at this time, the clinical significance of this alteration remains unclear.

NM_022455.5(NSD1):c.6479C>T (p.Pro2160Leu)

Gene: NSD1 (nuclear receptor binding SET domain protein 1; plus strand). Cytogenetic location: 5q35.3.
Variant type: single nucleotide variant.
Coding change: c.6479C>T on transcript NM_022455.5 (MANE Select); coding-DNA position 6479, C replaced by T.
Protein change: p.Pro2160Leu; replaces proline 2160 with leucine.
Molecular consequence: missense variant.
Genome position (GRCh38, 1-based): chr5:177,293,847, C>T. VCF-style: chr5-177293847-C-T. GRCh37 (hg19) VCF-style: chr5-176720848-C-T.
Other names: c.5606C>T, p.Pro1869Leu (NM_001365684.2, NM_001409308.1, NM_172349.5); c.6479C>T, p.Pro2160Leu (NM_001409301.1, NM_001409302.1, NM_001409303.1); c.6059C>T, p.Pro2020Leu (NM_001409304.1); c.5726C>T, p.Pro1909Leu (NM_001409305.1); c.5717C>T, p.Pro1906Leu (NM_001409306.1, NM_001409307.1); c.5357C>T, p.Pro1786Leu (NM_001409309.1); short protein forms P2160L, P1786L, P1909L, P1869L, P1906L, P2020L, P1891L.
Identifiers: ClinVar variation 1753737 (VCV001753737.3), dbSNP rs1327420643, ClinGen allele CA362323301.